The following is an entry in ClinVar:

ClinVar aggregate classification (germline): Pathogenic. Review status: reviewed by expert panel (3 of 4 stars). 6 submissions from 6 submitters: Pathogenic (1). 5 of the submissions do not count toward it. Last evaluated 2016-09-08.

Conditions:
Hereditary cancer-predisposing syndrome. Also called: Tumor predisposition; Neoplastic Syndromes, Hereditary; Hereditary Cancer Syndrome; Hereditary neoplastic syndrome. Identifiers: Orphanet 140162, MedGen C0027672, MeSH D009386, MONDO:0015356.
Hereditary breast ovarian cancer syndrome. Also called: Hereditary breast and ovarian cancer syndrome (HBOC); Hereditary breast and ovarian cancer syndrome; Hereditary breast and ovarian cancer; Hereditary breast and/or ovarian cancer syndrome; Breast and ovarian cancer; BRCA1- and BRCA2-Associated Hereditary Breast and Ovarian Cancer. Identifiers: Orphanet 145, MedGen C0677776, MeSH D061325, MONDO:0003582. Disease mechanism: loss of function.
Breast-ovarian cancer, familial, susceptibility to, 1 (BROVCA1). Also called: OVARIAN CANCER, SUSCEPTIBILITY TO; BRCA1 Hereditary Breast and Ovarian Cancer. Identifiers: Orphanet 145, MedGen C2676676, MONDO:0011450, OMIM 604370. Disease mechanism: loss of function.

Submissions (6):

Evidence-based Network for the Interpretation of Germline Mutant Alleles (ENIGMA)
Classification: Pathogenic for Breast-ovarian cancer, familial, susceptibility to, 1. Last evaluated: 2016-09-08. Review status: reviewed by expert panel. Criteria: ENIGMA BRCA1/2 Classification Criteria (2015). Collection method: curation. Allele origin: germline.
Comment: Variant allele predicted to encode a truncated non-functional protein.

Ambry Genetics
Classification: Pathogenic for Hereditary cancer-predisposing syndrome. Last evaluated: 2020-09-10. Review status: criteria provided, single submitter. Criteria: Ambry Variant Classification Scheme 2023. Collection method: clinical testing. Allele origin: germline. Not counted in ClinVar's aggregate classification.
Comment: The c.2612_2613insT pathogenic mutation, located in coding exon 9 of the BRCA1 gene, results from an insertion of one nucleotide at position 2612, causing a translational frameshift with a predicted alternate stop codon (p.F872Vfs*31). This alteration has been seen in multiple patients with personal or family histories of breast and/or ovarian cancer (Gayther SA et al. Am. J. Hum. Genet. 1999 Oct;65(4):1021-9; Cast&eacute;ra L et al. Eur. J. Hum. Genet. 2014 Nov;22(11):1305-13). Of note, this alteration is also designated as 2731insT in some literature. In addition to the clinical data presented in the literature, this alteration is expected to result in loss of function by premature protein truncation or nonsense-mediated mRNA decay. As such, this alteration is interpreted as a disease-causing mutation.

Quest Diagnostics Nichols Institute San Juan Capistrano
Classification: Pathogenic. Last evaluated: 2017-10-27. Review status: criteria provided, single submitter. Criteria: Quest Diagnostics criteria. Collection method: clinical testing. Allele origin: germline. Not counted in ClinVar's aggregate classification.

Consortium of Investigators of Modifiers of BRCA1/2 (CIMBA), c/o University of Cambridge
Classification: Pathogenic for Breast-ovarian cancer, familial, susceptibility to, 1. Last evaluated: 2015-10-02. Review status: criteria provided, single submitter. Criteria: CIMBA Mutation Classification guidelines May 2016. Collection method: clinical testing. Allele origin: germline. Not counted in ClinVar's aggregate classification.

Research Molecular Genetics Laboratory, Women's College Hospital, University of Toronto
Classification: Pathogenic for Hereditary breast ovarian cancer syndrome. Last evaluated: 2014-01-31. Review status: no assertion criteria provided. Collection method: research. Allele origin: germline. Affected: yes. Study: The Canadian Open Genetics Repository (COGR). Not counted in ClinVar's aggregate classification.

Breast Cancer Information Core (BIC) (BRCA1)
Classification: Pathogenic for Breast-ovarian cancer, familial 1. Last evaluated: 2014-01-07. Review status: no assertion criteria provided. Collection method: clinical testing. Allele origin: germline. Affected: yes. Observed: 10 variant alleles. Not counted in ClinVar's aggregate classification.

Literature cited by the submitters: PubMed 10486320 (cited by Ambry Genetics); PubMed 24549055 (cited by Ambry Genetics); PubMed 8807330 (cited by Ambry Genetics).

NM_007294.4(BRCA1):c.2612_2613insT (p.Phe872fs)

Gene: BRCA1 (BRCA1 DNA repair associated; minus strand). Cytogenetic location: 17q21.31.
Variant type: Insertion.
Coding change: c.2612_2613insT on transcript NM_007294.4 (MANE Select); coding-DNA positions 2612 to 2613, T inserted.
Protein change: p.Phe872fs; shifts the reading frame from phenylalanine 872.
Molecular consequence: frameshift variant. On other transcripts: intron variant (137).
Genome position: GRCh38 VCF-style: chr17-43092918-C-CA. GRCh37 (hg19) VCF-style: chr17-41244935-C-CA.
Other names: 2731insT; c.2399_2400insT, p.Phe801fs (NM_001407571.1, NM_001407853.1, NM_001407894.1 and 9 more transcripts); c.2612_2613insT, p.Phe872fs (NM_001407581.1, NM_001407582.1, NM_001407583.1 and 30 more transcripts); c.2609_2610insT, p.Phe871fs (NM_001407587.1, NM_001407590.1, NM_001407591.1 and 22 more transcripts); c.2603_2604insT, p.Phe869fs (NM_001407646.1, NM_001407647.1); c.2489_2490insT, p.Phe831fs (NM_001407648.1, NM_001407664.1, NM_001407665.1 and 19 more transcripts); c.2486_2487insT, p.Phe830fs (NM_001407649.1, NM_001407670.1, NM_001407671.1 and 11 more transcripts); c.2534_2535insT, p.Phe846fs (NM_001407653.1, NM_001407654.1, NM_001407655.1 and 4 more transcripts); and 42 more; short protein forms F825fs, F872fs, F744fs, F745fs, F831fs, F846fs, F704fs, F845fs.
Identifiers: ClinVar variation 54619 (VCV000054619.8), dbSNP rs80357948, ClinGen allele CA001717.
Genomic context (GRCh38, chr17:43,092,918, plus strand): 5'-GGACCCAGAGTGGGCAGAGAATGTTGCACATTCCTCTTCTGCATTTCCTGGATTTGAAAA[C>CA]GGAGCAAATGACTGGCGCTTTGAAACCTTGAATGTATTCTGCAAATACTGAGCATCAAGT-3'